The following is an entry in ClinVar:

NM_001852.4(COL9A2):c.691C>T (p.Gln231Ter)

Gene: COL9A2 (collagen type IX alpha 2 chain; minus strand). Cytogenetic location: 1p34.2.
Variant type: single nucleotide variant.
Coding change: c.691C>T on transcript NM_001852.4 (MANE Select); coding-DNA position 691, C replaced by T.
Protein change: p.Gln231Ter; replaces glutamine 231 with a stop codon.
Molecular consequence: nonsense.
Genome position (GRCh38, 1-based): chr1:40,310,311, G>A on the plus strand (C>T on the coding strand, the complement: COL9A2 is on the minus strand). VCF-style: chr1-40310311-G-A. GRCh37 (hg19) VCF-style: chr1-40775983-G-A.
Other names: short protein forms Q231*.
Identifiers: ClinVar variation 3008335 (VCV003008335.3), dbSNP rs1644101814, ClinGen allele CA339854349.

ClinVar aggregate classification (germline): Pathogenic (1 of 4 stars; one submission).

Allele frequency attached by ClinVar (database versions not stated): gnomAD 0.00001.
gnomAD v4.1: 1 of 1,613,896 alleles (0.000062%); highest among the groups gnomAD compares: African/African-American, 0.0013%; no homozygotes.

Submission:

Labcorp Genetics (formerly Invitae), Labcorp
Classification: Pathogenic. Last evaluated: 2023-11-19. Review status: criteria provided, single submitter. Criteria: Invitae Variant Classification Sherloc (09022015). Collection method: clinical testing. Allele origin: germline.
Comment: This sequence change creates a premature translational stop signal (p.Gln231*) in the COL9A2 gene. It is expected to result in an absent or disrupted protein product. Loss-of-function variants in COL9A2 are known to be pathogenic (PMID: 21671392, 33356723). This variant is not present in population databases (gnomAD no frequency). This variant has not been reported in the literature in individuals affected with COL9A2-related conditions. For these reasons, this variant has been classified as Pathogenic.

Literature cited by the submitters: PubMed 21671392; PubMed 33356723.